The following is an entry in ClinVar:

ClinVar aggregate classification (germline): Pathogenic (1 of 4 stars; one submission).

Submission:

Labcorp Genetics (formerly Invitae), Labcorp
Classification: Pathogenic. Last evaluated: 2023-06-15. Review status: criteria provided, single submitter. Criteria: Invitae Variant Classification Sherloc (09022015). Collection method: clinical testing. Allele origin: germline.
Comment: This sequence change creates a premature translational stop signal (p.Gln50*) in the RUNX2 gene. It is expected to result in an absent or disrupted protein product. Loss-of-function variants in RUNX2 are known to be pathogenic (PMID: 10521292, 11857736). For these reasons, this variant has been classified as Pathogenic. This premature translational stop signal has been observed in individual(s) with cleidocranial dysplasia (PMID: 16270353). This variant is not present in population databases (gnomAD no frequency).

Literature cited by the submitters: PubMed 10521292; PubMed 11857736; PubMed 16270353.

NM_001024630.4(RUNX2):c.148C>T (p.Gln50Ter)

Genes: RUNX2 (RUNX family transcription factor 2; plus strand), LOC109611589 (runt related transcription factor 2 polyalanine expansion region; plus strand). Cytogenetic location: 6p21.1.
Variant type: single nucleotide variant.
Coding change: c.148C>T on transcript NM_001024630.4 (MANE Select); coding-DNA position 148, C replaced by T.
Protein change: p.Gln50Ter; replaces glutamine 50 with a stop codon.
Molecular consequence: nonsense.
Genome position (GRCh38, 1-based): chr6:45,422,682, C>T. VCF-style: chr6-45422682-C-T. GRCh37 (hg19) VCF-style: chr6-45390419-C-T.
Other names: c.148C>T, p.Gln50Ter (NM_001015051.4); c.106C>T, p.Gln36Ter (NM_001278478.2, NM_001369405.1, NM_004348.3); short protein forms Q36*, Q50*.
Identifiers: ClinVar variation 2734873 (VCV002734873.3), dbSNP rs2548581688, ClinGen allele CA363957736.
Genomic context (GRCh38, chr6:45,422,682, plus strand): 5'-CCCTCCAGCAGCCTGCAGCCCGGCAAAATGAGCGACGTGAGCCCGGTGGTGGCTGCGCAA[C>T]AGCAGCAGCAACAGCAGCAGCAGCAACAGCAGCAGCAGCAGCAGCAACAGCAGCAGCAGC-3'